The following is an entry in ClinVar:

ClinVar aggregate classification (germline): Uncertain significance. Review status: criteria provided, multiple submitters, no conflicts (2 of 4 stars). 4 submissions from 4 submitters: Uncertain significance (4). Last evaluated 2025-05-05.

Allele frequency attached by ClinVar (database versions not stated): TOPMed 0.00010; gnomAD 0.00012; ExAC 0.00013; 1000 Genomes Project 0.00020; 1000 Genomes Project 30x 0.00031.
gnomAD v4.1: 63 of 1,550,534 alleles (0.0041%); highest among the groups gnomAD compares: African/African-American, 0.022%; no homozygotes.

Submissions (4):

GeneDx
Classification: Uncertain significance. Last evaluated: 2025-05-05. Review status: criteria provided, single submitter. Criteria: GeneDx Variant Classification Process June 2021. Collection method: clinical testing. Allele origin: germline. Affected: yes.
Comment: In silico analysis suggests that this missense variant does not alter protein structure/function; Has not been previously published as pathogenic or benign to our knowledge

Labcorp Genetics (formerly Invitae), Labcorp
Classification: Uncertain significance. Last evaluated: 2024-10-26. Review status: criteria provided, single submitter. Criteria: Invitae Variant Classification Sherloc (09022015). Collection method: clinical testing. Allele origin: germline.
Comment: This sequence change replaces arginine, which is basic and polar, with cysteine, which is neutral and slightly polar, at codon 130 of the OTOG protein (p.Arg130Cys). This variant is present in population databases (rs527900760, gnomAD 0.02%). This variant has not been reported in the literature in individuals affected with OTOG-related conditions. ClinVar contains an entry for this variant (Variation ID: 1416815). An algorithm developed to predict the effect of missense changes on protein structure and function (PolyPhen-2) suggests that this variant is likely to be disruptive. In summary, the available evidence is currently insufficient to determine the role of this variant in disease. Therefore, it has been classified as a Variant of Uncertain Significance.

Blueprint Genetics
Classification: Uncertain significance. Last evaluated: 2024-03-11. Review status: criteria provided, single submitter. Criteria: ACMG Guidelines, 2015. Collection method: clinical testing. Allele origin: germline.

Breakthrough Genomics
Classification: Uncertain significance. Review status: criteria provided, single submitter. Criteria: ACMG Guidelines, 2015. Collection method: not provided. Allele origin: germline. Inheritance: Autosomal recessive inheritance. Affected: yes.

NM_001292063.2(OTOG):c.352C>T (p.Arg118Cys)

Gene: OTOG (otogelin; plus strand). Cytogenetic location: 11p15.1.
Variant type: single nucleotide variant.
Coding change: c.352C>T on transcript NM_001292063.2 (MANE Select); coding-DNA position 352, C replaced by T.
Protein change: p.Arg118Cys; replaces arginine 118 with cysteine.
Molecular consequence: missense variant.
Genome position (GRCh38, 1-based): chr11:17,553,178, C>T. VCF-style: chr11-17553178-C-T. GRCh37 (hg19) VCF-style: chr11-17574725-C-T.
Other names: c.388C>T (NM_001277269.1); c.388C>T, p.Arg130Cys (NM_001277269.2); short protein forms R118C, R130C.
Identifiers: ClinVar variation 1416815 (VCV001416815.10), dbSNP rs527900760, ClinGen allele CA5905339.